The following is an entry in ClinVar:

ClinVar aggregate classification (germline): Uncertain significance (1 of 4 stars; one submission).

Allele frequency attached by ClinVar (database versions not stated): 1000 Genomes Project 30x 0.00016; 1000 Genomes Project 0.00020; ESP Exome Variant Server 0.00023; TOPMed 0.00023; gnomAD 0.00028 and 0.00029; ExAC 0.00041; gnomAD exomes 0.00041 and 0.00047.
gnomAD v4.1: 717 of 1,614,066 alleles (0.044%); highest among the groups gnomAD compares: Non-Finnish European, 0.054%; no homozygotes.

Submission:

Labcorp Genetics (formerly Invitae), Labcorp
Classification: Uncertain significance. Last evaluated: 2025-09-02. Review status: criteria provided, single submitter. Criteria: Invitae Variant Classification Sherloc (09022015). Collection method: clinical testing. Allele origin: germline.
Comment: This sequence change replaces arginine, which is basic and polar, with cysteine, which is neutral and slightly polar, at codon 914 of the ADCY10 protein (p.Arg914Cys). This variant is present in population databases (rs144433453, gnomAD 0.05%), and has an allele count higher than expected for a pathogenic variant. This variant has not been reported in the literature in individuals affected with ADCY10-related conditions. ClinVar contains an entry for this variant (Variation ID: 855336). An algorithm developed to predict the effect of missense changes on protein structure and function outputs the following: PolyPhen-2: "Benign". The cysteine amino acid residue is found in multiple mammalian species, which suggests that this missense change does not adversely affect protein function. In summary, the available evidence is currently insufficient to determine the role of this variant in disease. Therefore, it has been classified as a Variant of Uncertain Significance.

NM_018417.6(ADCY10):c.2740C>T (p.Arg914Cys)

Gene: ADCY10 (adenylate cyclase 10; minus strand). Cytogenetic location: 1q24.2.
Variant type: single nucleotide variant.
Coding change: c.2740C>T on transcript NM_018417.6 (MANE Select); coding-DNA position 2740, C replaced by T.
Protein change: p.Arg914Cys; replaces arginine 914 with cysteine.
Molecular consequence: missense variant.
Genome position (GRCh38, 1-based): chr1:167,845,830, G>A on the plus strand (C>T on the coding strand, the complement: ADCY10 is on the minus strand). VCF-style: chr1-167845830-G-A. GRCh37 (hg19) VCF-style: chr1-167815068-G-A.
Other names: c.2281C>T, p.Arg761Cys (NM_001167749.3); c.2464C>T, p.Arg822Cys (NM_001297772.2); short protein forms R822C, R914C, R761C.
Identifiers: ClinVar variation 855336 (VCV000855336.7), dbSNP rs144433453, ClinGen allele CA1227559.